The following is an entry in ClinVar:

ClinVar aggregate classification (germline): Uncertain significance. Review status: criteria provided, multiple submitters, no conflicts (2 of 4 stars). 2 submissions from 2 submitters: Uncertain significance (2). Last evaluated 2025-10-31.

Conditions:
Emery-Dreifuss muscular dystrophy 5, autosomal dominant (EDMD5). Also called: EMERY-DREIFUSS MUSCULAR DYSTROPHY 5. Identifiers: Orphanet 261, MedGen C2751805, MONDO:0013072, OMIM 612999.

Allele frequency attached by ClinVar (database versions not stated): TOPMed 0.00005; gnomAD exomes 0.00006; ExAC 0.00007; gnomAD 0.00007 and 0.00008.
gnomAD v4.1: 225 of 1,614,012 alleles (0.014%); highest among the groups gnomAD compares: Non-Finnish European, 0.017%; no homozygotes.

Submissions (2):

Labcorp Genetics (formerly Invitae), Labcorp
Classification: Uncertain significance for Emery-Dreifuss muscular dystrophy 5, autosomal dominant. Last evaluated: 2025-10-31. Review status: criteria provided, single submitter. Criteria: Invitae Variant Classification Sherloc (09022015). Collection method: clinical testing. Allele origin: germline.
Comment: This sequence change replaces alanine, which is neutral and non-polar, with aspartic acid, which is acidic and polar, at codon 5906 of the SYNE2 protein (p.Ala5906Asp). This variant is present in population databases (rs755652581, gnomAD 0.01%). This variant has not been reported in the literature in individuals affected with SYNE2-related conditions. ClinVar contains an entry for this variant (Variation ID: 573138). An algorithm developed to predict the effect of missense changes on protein structure and function (PolyPhen-2) suggests that this variant is likely to be disruptive. In summary, the available evidence is currently insufficient to determine the role of this variant in disease. Therefore, it has been classified as a Variant of Uncertain Significance.

Ambry Genetics
Classification: Uncertain significance. Last evaluated: 2022-12-15. Review status: criteria provided, single submitter. Criteria: Ambry Variant Classification Scheme 2023. Collection method: clinical testing. Allele origin: germline.

NM_182914.3(SYNE2):c.17717C>A (p.Ala5906Asp)

Gene: SYNE2 (spectrin repeat containing nuclear envelope protein 2; plus strand). Cytogenetic location: 14q23.2.
Variant type: single nucleotide variant.
Coding change: c.17717C>A on transcript NM_182914.3 (MANE Select); coding-DNA position 17717, C replaced by A.
Protein change: p.Ala5906Asp; replaces alanine 5906 with aspartic acid.
Molecular consequence: missense variant.
Genome position (GRCh38, 1-based): chr14:64,188,554, C>A. VCF-style: chr14-64188554-C-A. GRCh37 (hg19) VCF-style: chr14-64655272-C-A.
Other names: c.17717C>A, p.Ala5906Asp (NM_015180.6); short protein forms A5906D.
Identifiers: ClinVar variation 573138 (VCV000573138.11), dbSNP rs755652581, ClinGen allele CA7223813.